The following is an entry in ClinVar:

NM_015662.3(IFT172):c.3087T>C (p.Ser1029=)

Gene: IFT172 (intraflagellar transport 172; minus strand). Cytogenetic location: 2p23.3.
Variant type: single nucleotide variant.
Coding change: c.3087T>C on transcript NM_015662.3 (MANE Select); coding-DNA position 3087, T replaced by C.
Protein change: p.Ser1029=; no amino-acid change (serine 1029 retained).
Molecular consequence: synonymous variant.
Genome position (GRCh38, 1-based): chr2:27,457,865, A>G on the plus strand (T>C on the coding strand, the complement: IFT172 is on the minus strand). VCF-style: chr2-27457865-A-G. GRCh37 (hg19) VCF-style: chr2-27680732-A-G.
Other names: c.3021T>C, p.Ser1007= (NM_001410739.1).
Identifiers: ClinVar variation 3357732 (VCV003357732.1).
Genomic context (GRCh38, chr2:27,457,865, plus strand): 5'-GGGGAAGAGATAGGGAGAGCCAGGAGAAGGGCTCACCTTGCCCAGATGTAGGTGTGTATC[A>G]CTGAGGAGATCTGGATGGTGCTTCCCTACCAGGCGGATCATGTCATCATACAACTTGTGC-3'
Protein context (NP_056477.1, residues 1019-1039): LVGKHHPDLL[Ser1029=]DTHLHLGKEL

ClinVar aggregate classification (germline): Likely benign (0 of 4 stars; one submission).

Conditions:
IFT172-related disorder. Also called: IFT172-related disorders; IFT172-related condition.

Submission:

PreventionGenetics, part of Exact Sciences
Classification: Likely benign for IFT172-related condition. Last evaluated: 2021-04-15. Review status: no assertion criteria provided. Collection method: clinical testing. Allele origin: germline.
Comment: This variant is classified as likely benign based on ACMG/AMP sequence variant interpretation guidelines (Richards et al. 2015 PMID: 25741868, with internal and published modifications).